The following is an entry in ClinVar:

NM_021930.6(RINT1):c.590T>G (p.Leu197Arg)

Gene: RINT1 (RAD50 interactor 1; plus strand). Cytogenetic location: 7q22.3.
Variant type: single nucleotide variant.
Coding change: c.590T>G on transcript NM_021930.6 (MANE Select); coding-DNA position 590, T replaced by G.
Protein change: p.Leu197Arg; replaces leucine 197 with arginine.
Molecular consequence: missense variant. On other transcripts: 5 prime UTR variant (2), non-coding transcript variant (1), intron variant (1).
Genome position (GRCh38, 1-based): chr7:105,546,984, T>G. VCF-style: chr7-105546984-T-G. GRCh37 (hg19) VCF-style: chr7-105187431-T-G.
Other names: c.356T>G, p.Leu119Arg (NM_001346599.2); c.-430T>G (NM_001346600.2); c.-333T>G (NM_001346601.2); c.-27-3071T>G (NM_001346603.2); short protein forms L119R, L197R.
Identifiers: ClinVar variation 4863323 (VCV004863323.1).
Genomic context (GRCh38, chr7:105,546,984, plus strand): 5'-AATATCTGATGACCAATAATGTACCGGAGGCAGCCTCCACTCTAGTGTCTATGGCAGAAC[T>G]TGACATTAAACTTCAGGAATCATCTTGTACTCATCTTCTTGGTTTCATGAGAGCCACAGT-3'
Protein context (NP_068749.3, residues 187-207): AASTLVSMAE[Leu197Arg]DIKLQESSCT

ClinVar aggregate classification (germline): Uncertain significance (1 of 4 stars; one submission).

Submission:

Ambry Genetics
Classification: Uncertain significance. Last evaluated: 2026-03-23. Review status: criteria provided, single submitter. Criteria: Ambry Variant Classification Scheme 2023. Collection method: clinical testing. Allele origin: germline.
Comment: The p.L197R variant (also known as c.590T>G), located in coding exon 5 of the RINT1 gene, results from a T to G substitution at nucleotide position 590. The leucine at codon 197 is replaced by arginine, an amino acid with dissimilar properties. This amino acid position is conserved. In addition, the in silico prediction for this alteration is inconclusive. Based on the available evidence, the clinical significance of this variant remains unclear.